The following is an entry in ClinVar:

ClinVar aggregate classification (germline): Uncertain significance. Review status: criteria provided, multiple submitters, no conflicts (2 of 4 stars). 3 submissions from 3 submitters: Uncertain significance (3). Last evaluated 2024-05-13.

Conditions:
Inborn genetic diseases. Identifiers: MedGen C0950123, MeSH D030342.

Allele frequency attached by ClinVar (database versions not stated): gnomAD exomes 0.00004 and 0.00021; ExAC 0.00005; gnomAD 0.00006; TOPMed 0.00006.
gnomAD v4.1: 307 of 1,604,038 alleles (0.019%); highest among the groups gnomAD compares: Non-Finnish European, 0.026%; 1 homozygote.

Submissions (3):

Ambry Genetics
Classification: Uncertain significance for Inborn genetic diseases. Last evaluated: 2024-05-13. Review status: criteria provided, single submitter. Criteria: Ambry Variant Classification Scheme 2023. Collection method: clinical testing. Allele origin: germline.

Labcorp Genetics (formerly Invitae), Labcorp
Classification: Uncertain significance. Last evaluated: 2022-04-26. Review status: criteria provided, single submitter. Criteria: Invitae Variant Classification Sherloc (09022015). Collection method: clinical testing. Allele origin: germline.
Comment: This sequence change replaces alanine, which is neutral and non-polar, with valine, which is neutral and non-polar, at codon 956 of the CEP152 protein (p.Ala956Val). This variant is present in population databases (rs547292452, gnomAD 0.01%). This variant has not been reported in the literature in individuals affected with CEP152-related conditions. ClinVar contains an entry for this variant (Variation ID: 546753). Algorithms developed to predict the effect of missense changes on protein structure and function (SIFT, PolyPhen-2, Align-GVGD) all suggest that this variant is likely to be disruptive. Algorithms developed to predict the effect of sequence changes on RNA splicing suggest that this variant may create or strengthen a splice site. In summary, the available evidence is currently insufficient to determine the role of this variant in disease. Therefore, it has been classified as a Variant of Uncertain Significance.

CeGaT Center for Human Genetics Tuebingen
Classification: Uncertain significance. Last evaluated: 2017-11-01. Review status: criteria provided, single submitter. Criteria: CeGaT Center For Human Genetics Tuebingen Variant Classification Criteria Version 2. Collection method: clinical testing. Allele origin: germline. Affected: yes. Observed: 2 variant alleles.

NM_001194998.2(CEP152):c.2867C>T (p.Ala956Val)

Gene: CEP152 (centrosomal protein 152; minus strand). Cytogenetic location: 15q21.1.
Variant type: single nucleotide variant.
Coding change: c.2867C>T on transcript NM_001194998.2 (MANE Select); coding-DNA position 2867, C replaced by T.
Protein change: p.Ala956Val; replaces alanine 956 with valine.
Molecular consequence: missense variant.
Genome position (GRCh38, 1-based): chr15:48,756,381, G>A on the plus strand (C>T on the coding strand, the complement: CEP152 is on the minus strand). VCF-style: chr15-48756381-G-A. GRCh37 (hg19) VCF-style: chr15-49048578-G-A.
Other names: c.2867C>T, p.Ala956Val (NM_014985.4); c.2867C>T (NM_014985.3); short protein forms A956V.
Identifiers: ClinVar variation 546753 (VCV000546753.45), dbSNP rs547292452, ClinGen allele CA7548455.